The following is an entry in ClinVar:

NM_031844.3(HNRNPU):c.554G>A (p.Gly185Glu)

Gene: HNRNPU (heterogeneous nuclear ribonucleoprotein U; minus strand). Cytogenetic location: 1q44.
Variant type: single nucleotide variant.
Coding change: c.554G>A on transcript NM_031844.3 (MANE Select); coding-DNA position 554, G replaced by A.
Protein change: p.Gly185Glu; replaces glycine 185 with glutamic acid.
Molecular consequence: missense variant.
Genome position (GRCh38, 1-based): chr1:244,863,754, C>T on the plus strand (G>A on the coding strand, the complement: HNRNPU is on the minus strand). VCF-style: chr1-244863754-C-T. GRCh37 (hg19) VCF-style: chr1-245027056-C-T.
Other names: c.554G>A, p.Gly185Glu (NM_004501.3); short protein forms G185E.
Identifiers: ClinVar variation 2781987 (VCV002781987.3), dbSNP rs1573337696, ClinGen allele CA345496575.

ClinVar aggregate classification (germline): Uncertain significance (1 of 4 stars; one submission).

Conditions:
Developmental and epileptic encephalopathy, 54. Also called: Epileptic encephalopathy, early infantile, 54; HNRNPU-Related Neurodevelopmental Disorder. Identifiers: MedGen C4479319, MONDO:0033363, OMIM 617391.

Allele frequency attached by ClinVar (database versions not stated): TOPMed 0.00001.

Submission:

Labcorp Genetics (formerly Invitae), Labcorp
Classification: Uncertain significance for Developmental and epileptic encephalopathy, 54. Last evaluated: 2024-05-13. Review status: criteria provided, single submitter. Criteria: Invitae Variant Classification Sherloc (09022015). Collection method: clinical testing. Allele origin: germline.
Comment: This sequence change replaces glycine, which is neutral and non-polar, with glutamic acid, which is acidic and polar, at codon 185 of the HNRNPU protein (p.Gly185Glu). This variant is not present in population databases (gnomAD no frequency). This variant has not been reported in the literature in individuals affected with HNRNPU-related conditions. Advanced modeling of protein sequence and biophysical properties (such as structural, functional, and spatial information, amino acid conservation, physicochemical variation, residue mobility, and thermodynamic stability) performed at Invitae indicates that this missense variant is not expected to disrupt HNRNPU protein function with a negative predictive value of 80%. In summary, the available evidence is currently insufficient to determine the role of this variant in disease. Therefore, it has been classified as a Variant of Uncertain Significance.